The following is an entry in ClinVar:

NM_000465.4(BARD1):c.2284T>A (p.Trp762Arg)

Gene: BARD1 (BRCA1 associated RING domain 1; minus strand). Cytogenetic location: 2q35.
Variant type: single nucleotide variant.
Coding change: c.2284T>A on transcript NM_000465.4 (MANE Select); coding-DNA position 2284, T replaced by A.
Protein change: p.Trp762Arg; replaces tryptophan 762 with arginine.
Molecular consequence: missense variant. On other transcripts: non-coding transcript variant (3).
Genome position (GRCh38, 1-based): chr2:214,728,726, A>T on the plus strand (T>A on the coding strand, the complement: BARD1 is on the minus strand). VCF-style: chr2-214728726-A-T. GRCh37 (hg19) VCF-style: chr2-215593450-A-T.
Other names: c.2227T>A, p.Trp743Arg (NM_001282543.2); c.931T>A, p.Trp311Arg (NM_001282545.2); c.874T>A, p.Trp292Arg (NM_001282548.2); c.745T>A, p.Trp249Arg (NM_001282549.2); short protein forms W292R, W311R, W743R, W249R, W762R.
Identifiers: ClinVar variation 1788994 (VCV001788994.2), dbSNP rs878854008, ClinGen allele CA350449908.

ClinVar aggregate classification (germline): Uncertain significance (1 of 4 stars; one submission).

Conditions:
Hereditary cancer-predisposing syndrome. Also called: Hereditary Cancer Syndrome; Hereditary neoplastic syndrome; Tumor predisposition; Neoplastic Syndromes, Hereditary. Identifiers: Orphanet 140162, MedGen C0027672, MeSH D009386, MONDO:0015356.

Submission:

Ambry Genetics
Classification: Uncertain significance for Hereditary cancer-predisposing syndrome. Last evaluated: 2021-11-03. Review status: criteria provided, single submitter. Criteria: Ambry Variant Classification Scheme 2023. Collection method: clinical testing. Allele origin: germline.
Comment: The p.W762R variant (also known as c.2284T>A), located in coding exon 11 of the BARD1 gene, results from a T to A substitution at nucleotide position 2284. The tryptophan at codon 762 is replaced by arginine, an amino acid with dissimilar properties. This amino acid position is conserved. In addition, this alteration is predicted to be deleterious by in silico analysis. Since supporting evidence is limited at this time, the clinical significance of this alteration remains unclear.